The following is an entry in ClinVar:

ClinVar aggregate classification (germline): Uncertain significance. Review status: criteria provided, multiple submitters, no conflicts (2 of 4 stars). 2 submissions from 2 submitters: Uncertain significance (2). Last evaluated 2023-09-19.

Allele frequency attached by ClinVar (database versions not stated): TOPMed below 0.00001; ExAC 0.00002; gnomAD exomes 0.00002.
gnomAD v4.1: 30 of 1,614,198 alleles (0.0019%); highest among the groups gnomAD compares: Non-Finnish European, 0.0025%; no homozygotes.

Submissions (2):

Labcorp Genetics (formerly Invitae), Labcorp
Classification: Uncertain significance. Last evaluated: 2023-09-19. Review status: criteria provided, single submitter. Criteria: Invitae Variant Classification Sherloc (09022015). Collection method: clinical testing. Allele origin: germline.
Comment: Advanced modeling of protein sequence and biophysical properties (such as structural, functional, and spatial information, amino acid conservation, physicochemical variation, residue mobility, and thermodynamic stability) performed at Invitae indicates that this missense variant is expected to disrupt KCNQ5 protein function. In summary, the available evidence is currently insufficient to determine the role of this variant in disease. Therefore, it has been classified as a Variant of Uncertain Significance. This variant has not been reported in the literature in individuals affected with KCNQ5-related conditions. This variant is present in population databases (rs748901451, gnomAD 0.002%). This sequence change replaces serine, which is neutral and polar, with cysteine, which is neutral and slightly polar, at codon 848 of the KCNQ5 protein (p.Ser848Cys).

CeGaT Center for Human Genetics Tuebingen
Classification: Uncertain significance. Last evaluated: 2023-09-01. Review status: criteria provided, single submitter. Criteria: CeGaT Center For Human Genetics Tuebingen Variant Classification Criteria Version 2. Collection method: clinical testing. Allele origin: germline. Affected: yes. Observed: 1 variant allele.

NM_019842.4(KCNQ5):c.2486C>G (p.Ser829Cys)

Gene: KCNQ5 (potassium voltage-gated channel subfamily Q member 5; plus strand). Cytogenetic location: 6q13.
Variant type: single nucleotide variant.
Coding change: c.2486C>G on transcript NM_019842.4 (MANE Select); coding-DNA position 2486, C replaced by G.
Protein change: p.Ser829Cys; replaces serine 829 with cysteine.
Molecular consequence: missense variant.
Genome position (GRCh38, 1-based): chr6:73,195,101, C>G. VCF-style: chr6-73195101-C-G. GRCh37 (hg19) VCF-style: chr6-73904824-C-G.
Other names: c.2459C>G, p.Ser820Cys (NM_001160130.2); c.2516C>G, p.Ser839Cys (NM_001160132.2); c.2543C>G, p.Ser848Cys (NM_001160133.2); c.2156C>G, p.Ser719Cys (NM_001160134.2); short protein forms S719C, S820C, S829C, S839C, S848C.
Identifiers: ClinVar variation 2656702 (VCV002656702.27), dbSNP rs748901451, ClinGen allele CA3887268.